The following is an entry in ClinVar:

NM_000257.4(MYH7):c.2582A>G (p.Glu861Gly)

Genes: MYH7 (myosin heavy chain 7; minus strand), LOC126861898 (BRD4-independent group 4 enhancer GRCh37_chr14:23893609-23894808; plus strand). Cytogenetic location: 14q11.2.
Variant type: single nucleotide variant.
Coding change: c.2582A>G on transcript NM_000257.4 (MANE Select); coding-DNA position 2582, A replaced by G.
Protein change: p.Glu861Gly; replaces glutamic acid 861 with glycine.
Molecular consequence: missense variant.
Genome position (GRCh38, 1-based): chr14:23,424,866, T>C on the plus strand (A>G on the coding strand, the complement: MYH7 is on the minus strand). VCF-style: chr14-23424866-T-C. GRCh37 (hg19) VCF-style: chr14-23894075-T-C.
Other names: short protein forms E861G.
Identifiers: ClinVar variation 525026 (VCV000525026.15), dbSNP rs1236517740, ClinGen allele CA389048098.

ClinVar aggregate classification (germline): Uncertain significance. Review status: criteria provided, multiple submitters, no conflicts (2 of 4 stars). 5 submissions from 5 submitters: Uncertain significance (5). Last evaluated 2025-08-06.

Conditions:
Congenital myopathy with fiber type disproportion. Also called: Congenital fiber-type disproportion; Congenital fiber-type disproportion myopathy. Identifiers: Orphanet 2020, MedGen C0546264, MONDO:0009711. Inheritance: all.
Myosin storage myopathy (CMYO7A). Also called: SCAPULOPERONEAL MUSCULAR DYSTROPHY; SCAPULOPERONEAL SYNDROME, MYOPATHIC TYPE; MYH7-related late-onset scapuloperoneal muscular dystrophy; Congenital myopathy 7A, myosin storage, autosomal dominant; MYOPATHY, HYALINE BODY, AUTOSOMAL DOMINANT; Scapuloperoneal myopathy, MYH7-related. Identifiers: Orphanet 437572, Orphanet 636965, MedGen C1842160, MONDO:0008409, OMIM 608358.
Hypertrophic cardiomyopathy 1 (CMH1). Also called: Familial hypertrophic cardiomyopathy 1; MYH7-Related Familial Hypertrophic Cardiomyopathy. Identifiers: MedGen C3495498, MONDO:0008647, OMIM 192600.
MYH7-related skeletal myopathy. Also called: Myopathy, distal, 1; MYOPATHY, DISTAL, EARLY-ONSET, AUTOSOMAL DOMINANT; MYOPATHY, LATE DISTAL HEREDITARY; Laing distal myopathy; Laing early-onset distal myopathy. Identifiers: Orphanet 59135, MedGen C4552004, MONDO:0008050, OMIM 160500.
Dilated cardiomyopathy 1S (CMD1S). Identifiers: Orphanet 154, Orphanet 54260, MedGen C1834481, MONDO:0013262, OMIM 613426.
Myopathy, myosin storage, autosomal recessive (CMYO7B). Also called: CONGENITAL MYOPATHY 7B, MYOSIN STORAGE, AUTOSOMAL RECESSIVE. Identifiers: Orphanet 636970, MedGen C1850709, MONDO:0009708, OMIM 255160.
Hypertrophic cardiomyopathy. Also called: HYPERTROPHIC MYOCARDIOPATHY. Identifiers: Orphanet 217569, MedGen C0007194, MeSH D002312, MONDO:0005045, HP:0001639.
Cardiomyopathy (CMYO). Also called: Cardiomyopathies. Identifiers: Orphanet 167848, MedGen C0878544, MONDO:0004994, HP:0001638. Inheritance: Various modes of inheritance.
Cardiovascular phenotype. Identifiers: MedGen CN230736.

Allele frequency attached by ClinVar (database versions not stated): gnomAD exomes below 0.00001.
gnomAD v4.1: 2 of 1,614,202 alleles (0.00012%); highest among the groups gnomAD compares: East Asian, 0.0045%; no homozygotes.

Submissions (5):

Ambry Genetics
Classification: Uncertain significance for Cardiovascular phenotype. Last evaluated: 2025-08-06. Review status: criteria provided, single submitter. Criteria: Ambry Variant Classification Scheme 2023. Collection method: clinical testing. Allele origin: germline.
Comment: The p.E861G variant (also known as c.2582A>G), located in coding exon 20 of the MYH7 gene, results from an A to G substitution at nucleotide position 2582. The glutamic acid at codon 861 is replaced by glycine, an amino acid with similar properties. This amino acid position is well conserved in available vertebrate species. In addition, the in silico prediction for this alteration is inconclusive. Based on the available evidence, the clinical significance of this variant remains unclear.

Color Diagnostics, LLC DBA Color Health
Classification: Uncertain significance for Cardiomyopathy. Last evaluated: 2025-07-11. Review status: criteria provided, single submitter. Criteria: ACMG Guidelines, 2015. Collection method: clinical testing. Allele origin: germline.
Comment: This missense variant replaces glutamic acid with glycine at codon 861 of the MYH7 protein. Computational prediction is inconclusive regarding the impact of this variant on protein structure and function. To our knowledge, functional studies have not been reported for this variant. This variant has not been reported in individuals affected with MYH7-related disorders in the literature. This variant has been identified in 1/251458 chromosomes in the general population by the Genome Aggregation Database (gnomAD). The available evidence is insufficient to determine the role of this variant in disease conclusively. Therefore, this variant is classified as a Variant of Uncertain Significance.

Labcorp Genetics (formerly Invitae), Labcorp
Classification: Uncertain significance for Hypertrophic cardiomyopathy. Last evaluated: 2024-09-02. Review status: criteria provided, single submitter. Criteria: Invitae Variant Classification Sherloc (09022015). Collection method: clinical testing. Allele origin: germline.
Comment: This sequence change replaces glutamic acid, which is acidic and polar, with glycine, which is neutral and non-polar, at codon 861 of the MYH7 protein (p.Glu861Gly). This variant is present in population databases (no rsID available, gnomAD 0.006%). This variant has not been reported in the literature in individuals affected with MYH7-related conditions. ClinVar contains an entry for this variant (Variation ID: 525026). Invitae Evidence Modeling of protein sequence and biophysical properties (such as structural, functional, and spatial information, amino acid conservation, physicochemical variation, residue mobility, and thermodynamic stability) indicates that this missense variant is expected to disrupt MYH7 protein function with a positive predictive value of 95%. In summary, the available evidence is currently insufficient to determine the role of this variant in disease. Therefore, it has been classified as a Variant of Uncertain Significance.

Fulgent Genetics
Classification: Uncertain significance for MYH7-related skeletal myopathy; Myosin storage myopathy; Hypertrophic cardiomyopathy 1; Myopathy, myosin storage, autosomal recessive; Congenital myopathy 4A, autosomal dominant; Dilated cardiomyopathy 1S. Last evaluated: 2021-11-01. Review status: criteria provided, single submitter. Criteria: ACMG Guidelines, 2015. Collection method: clinical testing. Allele origin: unknown.

CHEO Genetics Diagnostic Laboratory, Children's Hospital of Eastern Ontario
Classification: Uncertain significance for Cardiomyopathy. Last evaluated: 2018-03-27. Review status: criteria provided, single submitter. Criteria: ACMG Guidelines, 2015. Collection method: clinical testing. Allele origin: germline.